The following is an entry in ClinVar:

ClinVar aggregate classification (germline): Likely benign (0 of 4 stars; one submission).

Conditions:
DAAM2-related disorder. Also called: DAAM2-related condition.

Allele frequency attached by ClinVar (database versions not stated): TOPMed 0.00003; gnomAD 0.00014; gnomAD exomes 0.00026; 1000 Genomes Project 30x 0.00062; 1000 Genomes Project 0.00080; ExAC 0.00124.
gnomAD v4.1: 383 of 1,586,610 alleles (0.024%); highest among the groups gnomAD compares: South Asian, 0.43%; 6 homozygotes.

Submission:

PreventionGenetics, part of Exact Sciences
Classification: Likely benign for DAAM2-related condition. Last evaluated: 2019-06-27. Review status: no assertion criteria provided. Collection method: clinical testing. Allele origin: germline.
Comment: This variant is classified as likely benign based on ACMG/AMP sequence variant interpretation guidelines (Richards et al. 2015 PMID: 25741868, with internal and published modifications).

NM_001201427.2(DAAM2):c.836C>T (p.Ser279Phe)

Gene: DAAM2 (dishevelled associated activator of morphogenesis 2; plus strand). Cytogenetic location: 6p21.2.
Variant type: single nucleotide variant.
Coding change: c.836C>T on transcript NM_001201427.2 (MANE Select); coding-DNA position 836, C replaced by T.
Protein change: p.Ser279Phe; replaces serine 279 with phenylalanine.
Molecular consequence: missense variant.
Genome position (GRCh38, 1-based): chr6:39,868,896, C>T. VCF-style: chr6-39868896-C-T. GRCh37 (hg19) VCF-style: chr6-39836672-C-T.
Other names: c.836C>T, p.Ser279Phe (NM_015345.4); short protein forms S279F.
Identifiers: ClinVar variation 3042784 (VCV003042784.2), dbSNP rs551076398, ClinGen allele CA3794805.